The following is an entry in ClinVar:

ClinVar aggregate classification (germline): Uncertain significance (1 of 4 stars; one submission).

Conditions:
Inborn genetic diseases. Identifiers: MedGen C0950123, MeSH D030342.

Submission:

Ambry Genetics
Classification: Uncertain significance for Inborn genetic diseases. Last evaluated: 2025-02-15. Review status: criteria provided, single submitter. Criteria: Ambry Variant Classification Scheme 2023. Collection method: clinical testing. Allele origin: germline.
Comment: The p.S444W variant (also known as c.1331C>G), located in coding exon 6 of the SH2B3 gene, results from a C to G substitution at nucleotide position 1331. The serine at codon 444 is replaced by tryptophan, an amino acid with highly dissimilar properties. This amino acid position is conserved. In addition, this alteration is predicted to be tolerated by in silico analysis. Based on the available evidence, the clinical significance of this variant remains unclear.

NM_005475.3(SH2B3):c.1331C>G (p.Ser444Trp)

Gene: SH2B3 (SH2B adaptor protein 3; plus strand). Cytogenetic location: 12q24.12.
Variant type: single nucleotide variant.
Coding change: c.1331C>G on transcript NM_005475.3 (MANE Select); coding-DNA position 1331, C replaced by G.
Protein change: p.Ser444Trp; replaces serine 444 with tryptophan.
Molecular consequence: missense variant.
Genome position (GRCh38, 1-based): chr12:111,447,750, C>G. VCF-style: chr12-111447750-C-G. GRCh37 (hg19) VCF-style: chr12-111885554-C-G.
Other names: c.725C>G, p.Ser242Trp (NM_001291424.1); short protein forms S242W, S444W.
Identifiers: ClinVar variation 3795194 (VCV003795194.1).